The following is an entry in ClinVar:

NM_001369369.1(FOXN1):c.724C>T (p.Pro242Ser)

Gene: FOXN1 (forkhead box N1; plus strand). Cytogenetic location: 17q11.2.
Variant type: single nucleotide variant.
Coding change: c.724C>T on transcript NM_001369369.1 (MANE Select); coding-DNA position 724, C replaced by T.
Protein change: p.Pro242Ser; replaces proline 242 with serine.
Molecular consequence: missense variant.
Genome position (GRCh38, 1-based): chr17:28,529,118, C>T. VCF-style: chr17-28529118-C-T. GRCh37 (hg19) VCF-style: chr17-26856136-C-T.
Other names: c.724C>T, p.Pro242Ser (NM_003593.3); short protein forms P242S.
Identifiers: ClinVar variation 573163 (VCV000573163.14), dbSNP rs140921495, ClinGen allele CA8459328.

ClinVar aggregate classification (germline): Uncertain significance. Review status: criteria provided, multiple submitters, no conflicts (2 of 4 stars). 4 submissions from 4 submitters: Uncertain significance (4). Last evaluated 2026-01-25.

Conditions:
T-cell immunodeficiency, congenital alopecia, and nail dystrophy. Also called: Congenital alopecia and nail dystrophy associated with severe functional T-cell immunodeficiency; Pignata Guarino syndrome. Identifiers: Orphanet 169095, MedGen C1866426, MONDO:0011132, OMIM 601705.

Allele frequency attached by ClinVar (database versions not stated): gnomAD 0.00012 and 0.00013; gnomAD exomes 0.00018 and 0.00023; 1000 Genomes Project 0.00020; ExAC 0.00021; TOPMed 0.00029; 1000 Genomes Project 30x 0.00031; ESP Exome Variant Server 0.00038.
gnomAD v4.1: 300 of 1,614,154 alleles (0.019%); highest among the groups gnomAD compares: Middle Eastern, 0.18%; no homozygotes.

Submissions (4):

Labcorp Genetics (formerly Invitae), Labcorp
Classification: Uncertain significance for T-cell immunodeficiency, congenital alopecia, and nail dystrophy. Last evaluated: 2026-01-25. Review status: criteria provided, single submitter. Criteria: Invitae Variant Classification Sherloc (09022015). Collection method: clinical testing. Allele origin: germline.
Comment: This sequence change replaces proline, which is neutral and non-polar, with serine, which is neutral and polar, at codon 242 of the FOXN1 protein (p.Pro242Ser). This variant is present in population databases (rs140921495, gnomAD 0.06%). This missense change has been observed in individual(s) with T cell lymphopenia (PMID: 31566583). ClinVar contains an entry for this variant (Variation ID: 573163). Invitae Evidence Modeling of protein sequence and biophysical properties (such as structural, functional, and spatial information, amino acid conservation, physicochemical variation, residue mobility, and thermodynamic stability) indicates that this missense variant is not expected to disrupt FOXN1 protein function with a negative predictive value of 80%. Experimental studies have shown that this missense change does not substantially affect FOXN1 function (PMID: 31566583). In summary, the available evidence is currently insufficient to determine the role of this variant in disease. Therefore, it has been classified as a Variant of Uncertain Significance.

Blueprint Genetics
Classification: Uncertain significance. Last evaluated: 2024-10-23. Review status: criteria provided, single submitter. Criteria: ACMG Guidelines, 2015. Collection method: clinical testing. Allele origin: germline.

Revvity Omics, Revvity
Classification: Uncertain significance. Last evaluated: 2023-02-20. Review status: criteria provided, single submitter. Criteria: ACMG Guidelines, 2015. Collection method: clinical testing. Allele origin: germline.

Illumina Laboratory Services, Illumina
Classification: Uncertain significance for T-cell immunodeficiency, congenital alopecia, and nail dystrophy. Last evaluated: 2018-01-13. Review status: criteria provided, single submitter. Criteria: ICSL Variant Classification Criteria 13 December 2019. Collection method: clinical testing. Allele origin: germline.

Literature cited by the submitters: PubMed 31566583 (cited by Labcorp Genetics (formerly Invitae), Labcorp).